The following is an entry in ClinVar:

ClinVar aggregate classification (germline): Uncertain significance (1 of 4 stars; one submission).

Conditions:
Hereditary sensory neuropathy-deafness-dementia syndrome. Also called: Hereditary sensory neuropathy type IE; HSN IE; NEUROPATHY, HEREDITARY SENSORY, WITH HEARING LOSS AND DEMENTIA; Hereditary Sensory and Autonomic Neuropathy Type 1E (HSAN1E). Identifiers: Orphanet 456318, MedGen C3279885, MONDO:0013584, OMIM 614116.

Allele frequency attached by ClinVar (database versions not stated): gnomAD exomes below 0.00001.
gnomAD v4.1: 1 of 1,611,908 alleles (0.000062%); highest among the groups gnomAD compares: African/African-American, 0.0013%; no homozygotes.

Submission:

Labcorp Genetics (formerly Invitae), Labcorp
Classification: Uncertain significance for Hereditary sensory neuropathy-deafness-dementia syndrome. Last evaluated: 2022-07-08. Review status: criteria provided, single submitter. Criteria: Invitae Variant Classification Sherloc (09022015). Collection method: clinical testing. Allele origin: germline.
Comment: In summary, the available evidence is currently insufficient to determine the role of this variant in disease. Therefore, it has been classified as a Variant of Uncertain Significance. Algorithms developed to predict the effect of sequence changes on RNA splicing suggest that this variant is not likely to affect RNA splicing. This variant has not been reported in the literature in individuals affected with DNMT1-related conditions. This variant is not present in population databases (gnomAD no frequency). This sequence change affects codon 148 of the DNMT1 mRNA. It is a 'silent' change, meaning that it does not change the encoded amino acid sequence of the DNMT1 protein. It affects a nucleotide within the consensus splice site.

NM_001130823.3(DNMT1):c.444G>A (p.Lys148=)

Gene: DNMT1 (DNA methyltransferase 1; minus strand). Cytogenetic location: 19p13.2.
Variant type: single nucleotide variant.
Coding change: c.444G>A on transcript NM_001130823.3 (MANE Select); coding-DNA position 444, G replaced by A.
Protein change: p.Lys148=; no amino-acid change (lysine 148 retained).
Molecular consequence: synonymous variant.
Genome position (GRCh38, 1-based): chr19:10,180,351, C>T on the plus strand (G>A on the coding strand, the complement: DNMT1 is on the minus strand). VCF-style: chr19-10180351-C-T. GRCh37 (hg19) VCF-style: chr19-10291027-C-T.
Other names: c.444G>A, p.Lys148= (NM_001318730.2, NM_001379.4); c.81G>A, p.Lys27= (NM_001318731.2).
Identifiers: ClinVar variation 2014951 (VCV002014951.4), dbSNP rs2513892130, ClinGen allele CA505364227.